The following is an entry in ClinVar:

NC_000012.12:g.6125092G>A

Gene: VWF (von Willebrand factor; minus strand). Cytogenetic location: 12p13.31.
Variant type: single nucleotide variant.
Genome position: GRCh38 VCF-style: chr12-6125092-G-A. GRCh37 (hg19) VCF-style: chr12-6234258-G-A.
Identifiers: ClinVar variation 4796653 (VCV004796653.3).

ClinVar aggregate classification (germline): Conflicting classifications of pathogenicity. Review status: criteria provided, conflicting classifications (1 of 4 stars). 3 submissions from 3 submitters: Uncertain significance (2); Likely benign (1). Last evaluated 2026-01-28.

Conditions:
VWF-related disorder. Also called: VWF-related disorders; VWF-related condition.

Submissions (3):

PreventionGenetics, part of Exact Sciences
Classification: Likely benign for VWF-related condition. Last evaluated: 2026-01-28. Review status: criteria provided, single submitter. Criteria: ACMG Guidelines, 2015. Collection method: clinical testing. Allele origin: germline.
Comment: This variant is classified as likely benign based on ACMG/AMP sequence variant interpretation guidelines (Richards et al. 2015 PMID: 25741868, with internal and published modifications).

GeneDx
Classification: Uncertain significance. Last evaluated: 2025-08-23. Review status: criteria provided, single submitter. Criteria: GeneDx Variant Classification Process June 2021. Collection method: clinical testing. Allele origin: germline. Affected: yes.
Comment: Located in a regulatory region; in the absence of functional studies, the actual effect of this sequence change is unknown; Nucleotide is not conserved across species and the substitution has no predicted effect on splicing; This variant is associated with the following publications: (PMID: 16985174)

Blueprint Genetics
Classification: Uncertain significance. Last evaluated: 2024-11-19. Review status: criteria provided, single submitter. Criteria: ACMG Guidelines, 2015. Collection method: clinical testing. Allele origin: germline.